The following is an entry in ClinVar:

ClinVar aggregate classification (germline): Uncertain significance (1 of 4 stars; one submission).

Conditions:
Retinitis pigmentosa 20 (RP20). Identifiers: Orphanet 791, MedGen C3151086, MONDO:0013425, OMIM 613794.

Allele frequency attached by ClinVar (database versions not stated): gnomAD exomes below 0.00001; ExAC 0.00001.
gnomAD v4.1: 1 of 1,613,768 alleles (0.000062%); highest among the groups gnomAD compares: South Asian, 0.0011%; no homozygotes.

Submission:

Neuberg Centre For Genomic Medicine, NCGM
Classification: Uncertain significance for Retinitis pigmentosa 20. Review status: criteria provided, single submitter. Criteria: ACMG Guidelines, 2015. Collection method: clinical testing. Allele origin: germline. Inheritance: Autosomal recessive inheritance. Affected: yes.
Comment: The synonymous variant p.K376= in RPE65 (NM_000329.3) has not been reported previously as a pathogenic variant nor as a benign variant, to our knowledge. The p.K376= variant is observed in 1/30,604 (0.0033%) alleles from individuals of South Asian background in gnomAD Exomes and is novel (not in any individuals) in 1000 Genomes. It is present at the splice junction and is predicted to disrupt splicing by 3 of 4 splice site algorithms. The nucleotide c.1128 in RPE65 is predicted conserved by GERP++ and PhyloP across 100 vertebrates. For these reasons, this variant has been classified as Uncertain Significance.

NM_000329.3(RPE65):c.1128G>A (p.Lys376=)

Gene: RPE65 (retinoid isomerohydrolase RPE65; minus strand). Cytogenetic location: 1p31.3.
Variant type: single nucleotide variant.
Coding change: c.1128G>A on transcript NM_000329.3 (MANE Select); coding-DNA position 1128, G replaced by A.
Protein change: p.Lys376=; no amino-acid change (lysine 376 retained).
Molecular consequence: synonymous variant.
Genome position (GRCh38, 1-based): chr1:68,438,187, C>T on the plus strand (G>A on the coding strand, the complement: RPE65 is on the minus strand). VCF-style: chr1-68438187-C-T. GRCh37 (hg19) VCF-style: chr1-68903870-C-T.
Other names: c.1020G>A, p.Lys340= (NM_001406853.1); c.852G>A, p.Lys284= (NM_001406856.1, NM_001406857.1); c.1128G>A, p.Lys376= (NM_001406859.1).
Identifiers: ClinVar variation 2627445 (VCV002627445.1), dbSNP rs749464766, ClinGen allele CA902288.